The following is an entry in ClinVar:

NM_201384.3(PLEC):c.3352G>A (p.Val1118Met)

Gene: PLEC (plectin; minus strand). Cytogenetic location: 8q24.3.
Variant type: single nucleotide variant.
Coding change: c.3352G>A on transcript NM_201384.3 (MANE Select); coding-DNA position 3352, G replaced by A.
Protein change: p.Val1118Met; replaces valine 1118 with methionine.
Molecular consequence: missense variant.
Genome position (GRCh38, 1-based): chr8:143,927,901, C>T on the plus strand (G>A on the coding strand, the complement: PLEC is on the minus strand). VCF-style: chr8-143927901-C-T. GRCh37 (hg19) VCF-style: chr8-145002069-C-T.
Other names: c.3433G>A, p.Val1145Met (NM_000445.5); c.3310G>A, p.Val1104Met (NM_201378.4); c.3286G>A, p.Val1096Met (NM_201379.3); c.3763G>A, p.Val1255Met (NM_201380.4); c.3256G>A, p.Val1086Met (NM_201381.3); c.3352G>A, p.Val1118Met (NM_201382.4); c.3364G>A, p.Val1122Met (NM_201383.3); c.3433G>A (NM_000445.3); short protein forms V1255M, V1122M, V1086M, V1096M, V1104M, V1145M, V1118M.
Identifiers: ClinVar variation 281948 (VCV000281948.16), dbSNP rs369022362, ClinGen allele CA4927118.

ClinVar aggregate classification (germline): Uncertain significance. Review status: criteria provided, multiple submitters, no conflicts (2 of 4 stars). 5 submissions from 5 submitters: Uncertain significance (5). Last evaluated 2026-04-22.

Conditions:
PLEC-related disorder. Also called: PLEC-related disorders; PLEC-related condition.
Epidermolysis bullosa simplex with nail dystrophy (EBS5D). Identifiers: MedGen C4225309, MONDO:0014661, OMIM 616487.
Autosomal recessive limb-girdle muscular dystrophy type 2Q (LGMDR17). Also called: MUSCULAR DYSTROPHY, LIMB-GIRDLE, AUTOSOMAL RECESSIVE 17. Identifiers: Orphanet 254361, MedGen C3150989, MONDO:0013390, OMIM 613723.
Epidermolysis bullosa simplex 5C, with pyloric atresia (EBS5C). Also called: PLEC-Related Epidermolysis Bullosa with Pyloric Atresia; Epidermolysis bullosa simplex with pyloric atresia; PLEC1-Related Epidermolysis Bullosa with Pyloric Atresia. Identifiers: Orphanet 158684, MedGen C2677349, MONDO:0012807, OMIM 612138.
Epidermolysis bullosa simplex 5B, with muscular dystrophy (EBS5B). Also called: EPIDERMOLYSIS BULLOSA SIMPLEX AND LIMB-GIRDLE MUSCULAR DYSTROPHY; Epidermolysis bullosa simplex with muscular dystrophy. Identifiers: Orphanet 257, MedGen C2931072, MONDO:0009181, OMIM 226670.
Epidermolysis bullosa simplex, Ogna type (EBS5A). Also called: Pidermolysis bullosa simplex 5A, Ogna type; EPIDERMOLYSIS BULLOSA SIMPLEX 5A, OGNA TYPE. Identifiers: Orphanet 79401, MedGen C0432317, MONDO:0007555, OMIM 131950.

Allele frequency attached by ClinVar (database versions not stated): gnomAD exomes 0.00007; gnomAD 0.00008 and 0.00009; TOPMed 0.00008; ExAC 0.00010; ESP Exome Variant Server 0.00017.
gnomAD v4.1: 232 of 1,595,682 alleles (0.015%); highest among the groups gnomAD compares: Non-Finnish European, 0.019%; no homozygotes.

Submissions (5):

PreventionGenetics, part of Exact Sciences
Classification: Uncertain significance for PLEC-related condition. Last evaluated: 2026-04-22. Review status: criteria provided, single submitter. Criteria: ACMG Guidelines, 2015. Collection method: clinical testing. Allele origin: germline.
Comment: The PLEC c.3433G>A variant is predicted to result in the amino acid substitution p.Val1145Met. To our knowledge, this variant has not been reported in the literature. This variant is reported in 0.015% of alleles in individuals of European (Non-Finnish) descent in gnomAD. At this time, the clinical significance of this variant is uncertain due to the absence of conclusive functional and genetic evidence.

Labcorp Genetics (formerly Invitae), Labcorp
Classification: Uncertain significance for Autosomal recessive limb-girdle muscular dystrophy type 2Q; Epidermolysis bullosa simplex, Ogna type; Epidermolysis bullosa simplex with nail dystrophy; Epidermolysis bullosa simplex 5C, with pyloric atresia; Epidermolysis bullosa simplex 5B, with muscular dystrophy. Last evaluated: 2025-09-10. Review status: criteria provided, single submitter. Criteria: Invitae Variant Classification Sherloc (09022015). Collection method: clinical testing. Allele origin: germline.
Comment: This sequence change replaces valine, which is neutral and non-polar, with methionine, which is neutral and non-polar, at codon 1145 of the PLEC protein (p.Val1145Met). This variant is present in population databases (rs369022362, gnomAD 0.02%). This variant has not been reported in the literature in individuals affected with PLEC-related conditions. ClinVar contains an entry for this variant (Variation ID: 281948). Invitae Evidence Modeling of protein sequence and biophysical properties (such as structural, functional, and spatial information, amino acid conservation, physicochemical variation, residue mobility, and thermodynamic stability) indicates that this missense variant is not expected to disrupt PLEC protein function with a negative predictive value of 80%. In summary, the available evidence is currently insufficient to determine the role of this variant in disease. Therefore, it has been classified as a Variant of Uncertain Significance.

Fulgent Genetics
Classification: Uncertain significance for Epidermolysis bullosa simplex, Ogna type; Epidermolysis bullosa simplex 5B, with muscular dystrophy; Epidermolysis bullosa simplex 5C, with pyloric atresia; Autosomal recessive limb-girdle muscular dystrophy type 2Q; Epidermolysis bullosa simplex with nail dystrophy. Last evaluated: 2024-05-17. Review status: criteria provided, single submitter. Criteria: ACMG Guidelines, 2015. Collection method: clinical testing. Allele origin: germline.

Revvity Omics, Revvity
Classification: Uncertain significance. Last evaluated: 2023-07-24. Review status: criteria provided, single submitter. Criteria: ACMG Guidelines, 2015. Collection method: clinical testing. Allele origin: germline.

Eurofins Ntd Llc (ga)
Classification: Uncertain significance. Last evaluated: 2017-05-05. Review status: criteria provided, single submitter. Criteria: EGL Classification Definitions 2015. Collection method: clinical testing. Allele origin: germline. Observed: 2 variant alleles, 2 heterozygotes.